The following is an entry in ClinVar:

ClinVar aggregate classification (germline): Uncertain significance (1 of 4 stars; one submission).

Conditions:
Inborn genetic diseases. Identifiers: MedGen C0950123, MeSH D030342.

gnomAD v4.1: 5 of 1,614,148 alleles (0.00031%); highest among the groups gnomAD compares: Non-Finnish European, 0.00042%; no homozygotes.

Submission:

Ambry Genetics
Classification: Uncertain significance for Inborn genetic diseases. Last evaluated: 2026-06-16. Review status: criteria provided, single submitter. Criteria: Ambry Variant Classification Scheme 2023. Collection method: clinical testing. Allele origin: germline.
Comment: The p.R568G variant (also known as c.1702A>G), located in coding exon 8 of the MECOM gene, results from an A to G substitution at nucleotide position 1702. The arginine at codon 568 is replaced by glycine, an amino acid with dissimilar properties. This amino acid position is conserved. In addition, this alteration is predicted to be tolerated by in silico analysis. Based on the available evidence, the clinical significance of this variant remains unclear.

NM_004991.4(MECOM):c.1702A>G (p.Arg568Gly)

Gene: MECOM (MDS1 and EVI1 complex locus; minus strand). Cytogenetic location: 3q26.2.
Variant type: single nucleotide variant.
Coding change: c.1702A>G on transcript NM_004991.4 (MANE Select); coding-DNA position 1702, A replaced by G.
Protein change: p.Arg568Gly; replaces arginine 568 with glycine.
Molecular consequence: missense variant. On other transcripts: intron variant (2).
Genome position (GRCh38, 1-based): chr3:169,116,170, T>C on the plus strand (A>G on the coding strand, the complement: MECOM is on the minus strand). VCF-style: chr3-169116170-T-C. GRCh37 (hg19) VCF-style: chr3-168833958-T-C.
Other names: c.1333A>G, p.Arg445Gly (NM_001105077.4); c.1138A>G, p.Arg380Gly (NM_001105078.4, NM_001164000.2, NM_001205194.2 and 4 more transcripts); c.1141A>G, p.Arg381Gly (NM_001163999.2, NM_001366467.2, NM_001366468.2 and 1 more transcripts); c.1702A>G, p.Arg568Gly (NM_001366466.2); c.1133-403A>G (NM_001366473.2); c.569-403A>G (NM_001366474.2); short protein forms R380G, R568G, R381G, R445G.
Identifiers: ClinVar variation 5024107 (VCV005024107.1).